The following is an entry in ClinVar:

NM_203447.4(DOCK8):c.4241+16A>G

Gene: DOCK8 (dedicator of cytokinesis 8; plus strand). Cytogenetic location: 9p24.3.
Variant type: single nucleotide variant.
Coding change: c.4241+16A>G on transcript NM_203447.4 (MANE Select); 16 bases into the intron after coding-DNA position 4241, A replaced by G.
Molecular consequence: intron variant.
Genome position (GRCh38, 1-based): chr9:422,151, A>G. VCF-style: chr9-422151-A-G. GRCh37 (hg19) VCF-style: chr9-422151-A-G.
Other names: c.4037+16A>G (NM_001193536.2); c.3941+16A>G (NM_001190458.2).
Identifiers: ClinVar variation 509028 (VCV000509028.9), dbSNP rs142428536, ClinGen allele CA4958985.

ClinVar aggregate classification (germline): Likely benign. Review status: criteria provided, multiple submitters, no conflicts (2 of 4 stars). 2 submissions from 2 submitters: Likely benign (2). Last evaluated 2025-12-08.

Conditions:
Combined immunodeficiency due to DOCK8 deficiency (HIES2). Also called: HIES autosomal recessive; HYPER-IgE RECURRENT INFECTION SYNDROME 2, AUTOSOMAL RECESSIVE; DOCK8 Deficiency; Hyper-IgE recurrent infection syndrome, autosomal recessive; HYPER-IgE SYNDROME 2, AUTOSOMAL RECESSIVE, WITH RECURRENT INFECTIONS. Identifiers: Orphanet 217390, MedGen C4722305, MONDO:0009478, OMIM 243700.

Allele frequency attached by ClinVar (database versions not stated): gnomAD exomes 0.00002 and 0.00004; ExAC 0.00007; gnomAD 0.00011 and 0.00012; TOPMed 0.00014; 1000 Genomes Project 30x 0.00016; 1000 Genomes Project 0.00020.
gnomAD v4.1: 41 of 1,608,680 alleles (0.0025%); highest among the groups gnomAD compares: African/African-American, 0.047%; no homozygotes.

Submissions (2):

Labcorp Genetics (formerly Invitae), Labcorp
Classification: Likely benign for Combined immunodeficiency due to DOCK8 deficiency. Last evaluated: 2025-12-08. Review status: criteria provided, single submitter. Criteria: Invitae Variant Classification Sherloc (09022015). Collection method: clinical testing. Allele origin: germline.

GeneDx
Classification: Likely benign. Last evaluated: 2017-04-17. Review status: criteria provided, single submitter. Criteria: GeneDx Variant Classification (06012015). Collection method: clinical testing. Allele origin: germline. Affected: yes.
Comment: This variant is considered likely benign or benign based on one or more of the following criteria: it is a conservative change, it occurs at a poorly conserved position in the protein, it is predicted to be benign by multiple in silico algorithms, and/or has population frequency not consistent with disease.